The following is an entry in ClinVar:

ClinVar aggregate classification (germline): Likely pathogenic (1 of 4 stars; one submission).

Conditions:
Alagille syndrome due to a NOTCH2 point mutation. Also called: Alagille syndrome 2. Identifiers: Orphanet 261629, Orphanet 52, MedGen C1857761, MONDO:0012439, OMIM 610205.
Hajdu-Cheney syndrome (HJCYS). Also called: ACROOSTEOLYSIS WITH OSTEOPOROSIS AND CHANGES IN SKULL AND MANDIBLE; SERPENTINE FIBULA-POLYCYSTIC KIDNEY SYNDROME; Acroosteolysis dominant type. Identifiers: Orphanet 955, MedGen C0917715, MONDO:0007057, OMIM 102500.

Submission:

Obstetrics Unit, Tongji Hospital, Huazhong University of Science and Technology
Classification: Likely pathogenic for Alagille syndrome due to a NOTCH2 point mutation; Hajdu-Cheney syndrome. Last evaluated: 2024-12-25. Review status: criteria provided, single submitter. Criteria: ACMG Guidelines, 2015. Collection method: clinical testing. Allele origin: de novo. Affected: yes.
Comment: NOTCH2:NM_024408.4:exon8:c.1310A>C:p.D437A variant: possibly pathogenic (PS2+PM1+PM2+PP2): Strong pathogenicity evidence PS2: the variant is a de novo variant verified by both parents in the family sample; Moderate pathogenicity evidence PM1: the variant occurs in the EGF-like calcium-binding domain|EGF-like domain functional structural domain; Moderate pathogenicity evidence PM2: the variant was identified in the Human Exome Database (ExAC), Reference Population Thousand Genomes (1000G) and the Population Genome Mutation Frequency Database (gnomAD) were not found; Evidence in favor of pathogenicity PP2: missense variants in this gene are a common mechanism responsible for the associated disease phenotype and the proportion of benign missense variants is low; Matching of disease characteristics with the phenotype of this case: partial match A search of public databases indicates that mutations in the gene NOTCH2 (OMIM:600275) cause the autosomal dominant disorder Alagille syndrome 2 (Alagille syndrome type 2) (OMIM:610205) and the autosomal dominant disorder Hajdu-Cheney syndrome (OMIM:102500).

NM_024408.4(NOTCH2):c.1310A>C (p.Asp437Ala)

Gene: NOTCH2 (notch receptor 2; minus strand). Cytogenetic location: 1p12.
Variant type: single nucleotide variant.
Coding change: c.1310A>C on transcript NM_024408.4 (MANE Select); coding-DNA position 1310, A replaced by C.
Protein change: p.Asp437Ala; replaces aspartic acid 437 with alanine.
Molecular consequence: missense variant.
Genome position (GRCh38, 1-based): chr1:119,967,576, T>G on the plus strand (A>C on the coding strand, the complement: NOTCH2 is on the minus strand). VCF-style: chr1-119967576-T-G. GRCh37 (hg19) VCF-style: chr1-120510199-T-G.
Other names: c.1310A>C, p.Asp437Ala (NM_001200001.2); short protein forms D437A.
Identifiers: ClinVar variation 3600341 (VCV003600341.1).